The following is an entry in ClinVar:

NM_024876.4(COQ8B):c.701T>A (p.Val234Glu)

Gene: COQ8B (coenzyme Q8B; minus strand). Cytogenetic location: 19q13.2.
Variant type: single nucleotide variant.
Coding change: c.701T>A on transcript NM_024876.4 (MANE Select); coding-DNA position 701, T replaced by A.
Protein change: p.Val234Glu; replaces valine 234 with glutamic acid.
Molecular consequence: missense variant.
Genome position (GRCh38, 1-based): chr19:40,703,731, A>T on the plus strand (T>A on the coding strand, the complement: COQ8B is on the minus strand). VCF-style: chr19-40703731-A-T. GRCh37 (hg19) VCF-style: chr19-41209636-A-T.
Other names: c.578T>A, p.Val193Glu (NM_001142555.3); short protein forms V193E, V234E.
Identifiers: ClinVar variation 1706166 (VCV001706166.2), dbSNP rs2515494979, ClinGen allele CA405963852.

ClinVar aggregate classification (germline): Uncertain significance (1 of 4 stars; one submission).

Submission:

GeneDx
Classification: Uncertain significance. Last evaluated: 2022-03-18. Review status: criteria provided, single submitter. Criteria: GeneDx Variant Classification Process June 2021. Collection method: clinical testing. Allele origin: germline. Affected: yes.
Comment: Not observed at significant frequency in large population cohorts (gnomAD); In silico analysis supports that this missense variant has a deleterious effect on protein structure/function; Has not been previously published as pathogenic or benign to our knowledge